The following is an entry in ClinVar:

NM_001100913.3(PACS2):c.25_33del (p.Leu9_Gly11del)

Genes: BRF1 (BRF1 general transcription factor IIIB subunit; minus strand), PACS2 (phosphofurin acidic cluster sorting protein 2; plus strand). Cytogenetic location: 14q32.33.
Variant type: Deletion.
Coding change: c.25_33del on transcript NM_001100913.3 (MANE Select); coding-DNA positions 25 to 33, 9 bases deleted (CTCCCCGGC; older notation c.25_33delCTCCCCGGC).
Protein change: p.Leu9_Gly11del.
Molecular consequence: inframe deletion. On other transcripts: intron variant (4).
Genome position (GRCh38, 1-based): chr14:105,314,943-105,314,951, CTCCCCGGC deleted; deleting any 9 consecutive bases within chr14:105,314,939-105,314,951 gives the same sequence; the c. name uses the placement nearest the transcript's 3' end. VCF-style (leftmost placement, unchanged base first): chr14-105314938-TCGGCCTCCC-T. GRCh37 (hg19) VCF-style: chr14-105781275-TCGGCCTCCC-T.
Other names: c.25_33del, p.Leu9_Gly11del (NM_015197.4); c.-162+375_-162+383del (NM_001440451.1, NM_001242787.2, NM_001242786.2); c.-83+13964_-83+13972del (NM_001243127.3).
Identifiers: ClinVar variation 1388202 (VCV001388202.8), dbSNP rs2140747407, ClinGen allele CA2573150507.

ClinVar aggregate classification (germline): Uncertain significance (1 of 4 stars; one submission).

Submission:

Labcorp Genetics (formerly Invitae), Labcorp
Classification: Uncertain significance. Last evaluated: 2023-08-24. Review status: criteria provided, single submitter. Criteria: Invitae Variant Classification Sherloc (09022015). Collection method: clinical testing. Allele origin: germline.
Comment: Experimental studies and prediction algorithms are not available or were not evaluated, and the functional significance of this variant is currently unknown. ClinVar contains an entry for this variant (Variation ID: 1388202). This variant has not been reported in the literature in individuals affected with PACS2-related conditions. This variant is not present in population databases (gnomAD no frequency). This variant, c.25_33del, results in the deletion of 3 amino acid(s) of the PACS2 protein (p.Leu9_Gly11del), but otherwise preserves the integrity of the reading frame. In summary, the available evidence is currently insufficient to determine the role of this variant in disease. Therefore, it has been classified as a Variant of Uncertain Significance.